The following is an entry in ClinVar:

ClinVar aggregate classification (germline): Pathogenic (1 of 4 stars; one submission).

Submission:

GeneDx
Classification: Pathogenic. Last evaluated: 2023-12-11. Review status: criteria provided, single submitter. Criteria: GeneDx Variant Classification Process June 2021. Collection method: clinical testing. Allele origin: germline. Affected: yes.
Comment: Identified in a patient autism spectrum disorder in the published literature, however, further clinical information was not provided (PMID: 25363768); Frameshift variant predicted to result in protein truncation or nonsense mediated decay in a gene for which loss of function is a known mechanism of disease; Not observed at significant frequency in large population cohorts (gnomAD); This variant is associated with the following publications: (PMID: 31785789, 35982159, 35982160, 28191890, 25363768)

NM_006766.5(KAT6A):c.283_286del (p.Gln95fs)

Gene: KAT6A (lysine acetyltransferase 6A; minus strand). Cytogenetic location: 8p11.21.
Variant type: Deletion.
Coding change: c.283_286del on transcript NM_006766.5 (MANE Select); coding-DNA positions 283 to 286, 4 bases deleted (CAAA; older notation c.283_286delCAAA).
Protein change: p.Gln95fs; shifts the reading frame from glutamine 95.
Molecular consequence: frameshift variant.
Genome position (GRCh38, 1-based): chr8:42,048,692-42,048,695, TTTG deleted on the plus strand (CAAA on the coding strand, the reverse complement: KAT6A is on the minus strand); deleting any 4 consecutive bases within chr8:42,048,692-42,048,698 gives the same sequence; the c. name uses the placement nearest the transcript's 3' end. VCF-style (leftmost placement, unchanged base first): chr8-42048691-TTTTG-T. GRCh37 (hg19) VCF-style: chr8-41906209-TTTTG-T.
Other names: c.283_286del, p.Gln95fs (NM_001305878.2); short protein forms Q95fs.
Identifiers: ClinVar variation 3253415 (VCV003253415.1), dbSNP rs1802445890.